The following is an entry in ClinVar:

NM_032551.5(KISS1R):c.872C>T (p.Ala291Val)

Gene: KISS1R (KISS1 receptor; plus strand). Cytogenetic location: 19p13.3.
Variant type: single nucleotide variant.
Coding change: c.872C>T on transcript NM_032551.5 (MANE Select); coding-DNA position 872, C replaced by T.
Protein change: p.Ala291Val; replaces alanine 291 with valine.
Molecular consequence: missense variant.
Genome position (GRCh38, 1-based): chr19:920,423, C>T. VCF-style: chr19-920423-C-T. GRCh37 (hg19) VCF-style: chr19-920423-C-T.
Other names: c.872C>T (NM_032551.4); short protein forms A291V.
Identifiers: ClinVar variation 1938093 (VCV001938093.5), dbSNP rs751445161, ClinGen allele CA9028858.

ClinVar aggregate classification (germline): Uncertain significance. Review status: criteria provided, multiple submitters, no conflicts (2 of 4 stars). 2 submissions from 2 submitters: Uncertain significance (2). Last evaluated 2025-06-09.

Conditions:
Inborn genetic diseases. Identifiers: MedGen C0950123, MeSH D030342.

Allele frequency attached by ClinVar (database versions not stated): gnomAD exomes below 0.00001; ExAC 0.00001; gnomAD 0.00001; TOPMed 0.00002.
gnomAD v4.1: 8 of 1,608,100 alleles (0.0005%); highest among the groups gnomAD compares: Admixed American, 0.0084%; no homozygotes.

Submissions (2):

Ambry Genetics
Classification: Uncertain significance for Inborn genetic diseases. Last evaluated: 2025-06-09. Review status: criteria provided, single submitter. Criteria: Ambry Variant Classification Scheme 2023. Collection method: clinical testing. Allele origin: germline.

Labcorp Genetics (formerly Invitae), Labcorp
Classification: Uncertain significance. Last evaluated: 2025-02-24. Review status: criteria provided, single submitter. Criteria: Invitae Variant Classification Sherloc (09022015). Collection method: clinical testing. Allele origin: germline.
Comment: This sequence change replaces alanine, which is neutral and non-polar, with valine, which is neutral and non-polar, at codon 291 of the KISS1R protein (p.Ala291Val). The frequency data for this variant in the population databases is considered unreliable, as metrics indicate poor data quality at this position in the gnomAD database. This variant has not been reported in the literature in individuals affected with KISS1R-related conditions. ClinVar contains an entry for this variant (Variation ID: 1938093). An algorithm developed to predict the effect of missense changes on protein structure and function (PolyPhen-2) suggests that this variant is likely to be tolerated. In summary, the available evidence is currently insufficient to determine the role of this variant in disease. Therefore, it has been classified as a Variant of Uncertain Significance.